The following is an entry in ClinVar:

ClinVar aggregate classification (germline): Uncertain significance. Review status: criteria provided, multiple submitters, no conflicts (2 of 4 stars). 2 submissions from 2 submitters: Uncertain significance (2). Last evaluated 2023-01-11.

Conditions:
Inborn genetic diseases. Identifiers: MedGen C0950123, MeSH D030342.

Allele frequency attached by ClinVar (database versions not stated): gnomAD exomes 0.00001 and 0.00004; ExAC 0.00003; TOPMed 0.00005; gnomAD 0.00006; ESP Exome Variant Server 0.00015.
gnomAD v4.1: 21 of 1,613,774 alleles (0.0013%); highest among the groups gnomAD compares: Admixed American, 0.018%; no homozygotes.

Submissions (2):

Ambry Genetics
Classification: Uncertain significance for Inborn genetic diseases. Last evaluated: 2023-01-11. Review status: criteria provided, single submitter. Criteria: Ambry Variant Classification Scheme 2023. Collection method: clinical testing. Allele origin: germline.

Labcorp Genetics (formerly Invitae), Labcorp
Classification: Uncertain significance. Last evaluated: 2022-08-23. Review status: criteria provided, single submitter. Criteria: Invitae Variant Classification Sherloc (09022015). Collection method: clinical testing. Allele origin: germline.
Comment: This sequence change replaces methionine, which is neutral and non-polar, with valine, which is neutral and non-polar, at codon 33 of the ARL2BP protein (p.Met33Val). This variant is present in population databases (rs141614381, gnomAD 0.02%). This variant has not been reported in the literature in individuals affected with ARL2BP-related conditions. ClinVar contains an entry for this variant (Variation ID: 1431047). Algorithms developed to predict the effect of missense changes on protein structure and function are either unavailable or do not agree on the potential impact of this missense change (SIFT: "Deleterious"; PolyPhen-2: "Benign"; Align-GVGD: "Class C0"). Algorithms developed to predict the effect of sequence changes on RNA splicing suggest that this variant may create or strengthen a splice site. In summary, the available evidence is currently insufficient to determine the role of this variant in disease. Therefore, it has been classified as a Variant of Uncertain Significance.

NM_012106.4(ARL2BP):c.97A>G (p.Met33Val)

Gene: ARL2BP (ARF like GTPase 2 binding protein; plus strand). Cytogenetic location: 16q13.
Variant type: single nucleotide variant.
Coding change: c.97A>G on transcript NM_012106.4 (MANE Select); coding-DNA position 97, A replaced by G.
Protein change: p.Met33Val; replaces methionine 33 with valine.
Molecular consequence: missense variant.
Genome position (GRCh38, 1-based): chr16:57,246,138, A>G. VCF-style: chr16-57246138-A-G. GRCh37 (hg19) VCF-style: chr16-57280050-A-G.
Other names: c.97A>G (NM_012106.3); short protein forms M33V.
Identifiers: ClinVar variation 1431047 (VCV001431047.4), dbSNP rs141614381, ClinGen allele CA8074840.